The following is an entry in ClinVar:

ClinVar aggregate classification (germline): Uncertain significance (1 of 4 stars; one submission).

Conditions:
Hereditary cancer-predisposing syndrome. Also called: Tumor predisposition; Neoplastic Syndromes, Hereditary; Hereditary neoplastic syndrome; Hereditary Cancer Syndrome. Identifiers: Orphanet 140162, MedGen C0027672, MeSH D009386, MONDO:0015356.

Submission:

Ambry Genetics
Classification: Uncertain significance for Hereditary cancer-predisposing syndrome. Last evaluated: 2024-08-05. Review status: criteria provided, single submitter. Criteria: Ambry Variant Classification Scheme 2023. Collection method: clinical testing. Allele origin: germline.
Comment: The p.P465A variant (also known as c.1393C>G), located in coding exon 12 of the SUFU gene, results from a C to G substitution at nucleotide position 1393. The proline at codon 465 is replaced by alanine, an amino acid with highly similar properties. This amino acid position is conserved. In addition, the in silico prediction for this alteration is inconclusive. Based on the available evidence, the clinical significance of this variant remains unclear.

NM_016169.4(SUFU):c.1393C>G (p.Pro465Ala)

Gene: SUFU (SUFU negative regulator of hedgehog signaling; plus strand). Cytogenetic location: 10q24.32.
Variant type: single nucleotide variant.
Coding change: c.1393C>G on transcript NM_016169.4 (MANE Select); coding-DNA position 1393, C replaced by G.
Protein change: p.Pro465Ala; replaces proline 465 with alanine.
Molecular consequence: missense variant.
Genome position (GRCh38, 1-based): chr10:102,630,093, C>G. VCF-style: chr10-102630093-C-G. GRCh37 (hg19) VCF-style: chr10-104389850-C-G.
Other names: short protein forms P465A.
Identifiers: ClinVar variation 3451123 (VCV003451123.1).